The following is an entry in ClinVar:

NM_000487.6(ARSA):c.263G>A (p.Gly88Asp)

Gene: ARSA (arylsulfatase A; minus strand). Cytogenetic location: 22q13.33.
Variant type: single nucleotide variant.
Coding change: c.263G>A on transcript NM_000487.6 (MANE Select); coding-DNA position 263, G replaced by A.
Protein change: p.Gly88Asp; replaces glycine 88 with aspartic acid.
Molecular consequence: missense variant.
Genome position (GRCh38, 1-based): chr22:50,627,368, C>T on the plus strand (G>A on the coding strand, the complement: ARSA is on the minus strand). VCF-style: chr22-50627368-C-T. GRCh37 (hg19) VCF-style: chr22-51065796-C-T.
Other names: ARSA, GLY86ASP; c.263G>A, p.Gly88Asp (NM_001085425.3, NM_001085426.3, NM_001085427.3); c.5G>A, p.Gly2Asp (NM_001085428.3, NM_001362782.2); c.263G>A (NM_000487.5); short protein forms G88D, G2D.
Identifiers: ClinVar variation 3061 (VCV000003061.5), dbSNP rs74315460, ClinGen allele CA115969.

ClinVar aggregate classification (germline): Pathogenic/Likely pathogenic. Review status: criteria provided, multiple submitters, no conflicts (2 of 4 stars). 3 submissions from 3 submitters: Pathogenic (1); Likely pathogenic (1). 1 of the submissions does not count toward it. Last evaluated 2024-10-23.

Conditions:
METACHROMATIC LEUKODYSTROPHY, SEVERE. Identifiers: MedGen C4017094.
Metachromatic leukodystrophy (MLD). Also called: ARSA DEFICIENCY; CEREBROSIDE SULFATASE DEFICIENCY; METACHROMATIC LEUKOENCEPHALOPATHY; Arylsulfatase A Deficiency; SULFATIDE LIPIDOSIS; Cerebral sclerosis diffuse metachromatic form. Identifiers: Orphanet 512, MedGen C0023522, MONDO:0018868, OMIM 250100.

Submissions (3):

Natera, Inc.
Classification: Likely pathogenic for Metachromatic leukodystrophy. Last evaluated: 2024-10-23. Review status: criteria provided, single submitter. Criteria: Natera Variant Classification Schema (03/2026). Collection method: clinical testing. Allele origin: germline.
Comment: The c.263G>A variant in ARSA is a missense variant predicted to cause substitution of glycine to aspartic acid at amino acid 88. This variant is rare in the general population with a frequency below the threshold expected for the associated phenotype(s). This variant has been observed in one or more individuals affected with the associated recessive disease, as either homozygous or compound heterozygous with a second variant (PMID: 37267771, 7825603, 38916435, 33726816). Functional studies show that this variant may disrupt protein function (PMID: 7825603). Computational prediction algorithms indicate this variant is likely to affect gene or protein function. Given the available evidence, this variant is classified as Likely Pathogenic.

Centre for Inherited Metabolic Diseases, Karolinska University Hospital
Classification: Pathogenic for Metachromatic leukodystrophy. Last evaluated: 2021-03-25. Review status: criteria provided, single submitter. Criteria: ACMG Guidelines, 2015. Collection method: clinical testing. Allele origin: germline. Inheritance: Autosomal recessive inheritance. Affected: yes. Observed: 1 compound heterozygote.

OMIM
Classification: Pathogenic for METACHROMATIC LEUKODYSTROPHY, SEVERE. Last evaluated: 2018-11-07. Review status: no assertion criteria provided. Collection method: literature only. Allele origin: germline. Not counted in ClinVar's aggregate classification.

Literature cited by the submitters: PubMed 37267771 (cited by Natera, Inc.); PubMed 7825603 (cited by Natera, Inc.); PubMed 38916435 (cited by Natera, Inc.); PubMed 33726816 (cited by Natera, Inc.); PubMed 1671769 (cited by OMIM).